The following is an entry in ClinVar:

NM_000075.4(CDK4):c.820-14G>A

Genes: CDK4 (cyclin dependent kinase 4; minus strand), MIR6759 (microRNA 6759; minus strand), TSPAN31 (tetraspanin 31; plus strand). Cytogenetic location: 12q14.1.
Variant type: single nucleotide variant.
Coding change: c.820-14G>A on transcript NM_000075.4 (MANE Select); 14 bases into the intron before coding-DNA position 820, G replaced by A.
Molecular consequence: intron variant. On other transcripts: non-coding transcript variant (1), 3 prime UTR variant (3).
Genome position (GRCh38, 1-based): chr12:57,748,631, C>T on the plus strand (G>A on the coding strand, the complement: CDK4 is on the minus strand). VCF-style: chr12-57748631-C-T. GRCh37 (hg19) VCF-style: chr12-58142414-C-T.
Other names: c.*1341C>T (NM_001330168.2, NM_001330169.2, NM_005981.5).
Identifiers: ClinVar variation 2017505 (VCV002017505.5), dbSNP rs2540893339, ClinGen allele CA2580086582.
Genomic context (GRCh38, chr12:57,748,631, plus strand): 5'-GCTCGAAAGGCAGAGATTCGCTTGTGTGGGTTAAAAGTCAGCATTTCCTGAGGGGAGAGG[C>T]AAAGGTCAGAAAACCATGAAGAAAACAGACTTCTGCCCACCCACAACAATACCTGGGATG-3'

ClinVar aggregate classification (germline): Likely benign. Review status: criteria provided, multiple submitters, no conflicts (2 of 4 stars). 2 submissions from 2 submitters: Likely benign (2). Last evaluated 2024-10-31.

Conditions:
Familial melanoma. Also called: Hereditary melanoma; Hereditary cutaneous melanoma. Identifiers: Orphanet 618, MedGen C1512419, MONDO:0018961.
Melanoma, cutaneous malignant, susceptibility to, 3. Also called: Cutaneous malignant melanoma 3. Identifiers: Orphanet 618, MedGen C1836892, MONDO:0012183, OMIM 609048.

Allele frequency attached by ClinVar (database versions not stated): gnomAD exomes below 0.00001.
gnomAD v4.1: 1 of 1,585,694 alleles (0.000063%); highest among the groups gnomAD compares: South Asian, 0.0011%; no homozygotes.

Submissions (2):

Labcorp Genetics (formerly Invitae), Labcorp
Classification: Likely benign for Familial melanoma. Last evaluated: 2024-10-31. Review status: criteria provided, single submitter. Criteria: Invitae Variant Classification Sherloc (09022015). Collection method: clinical testing. Allele origin: germline.

Myriad Genetics, Inc.
Classification: Likely benign for Melanoma, cutaneous malignant, susceptibility to, 3. Last evaluated: 2024-09-26. Review status: criteria provided, single submitter. Criteria: Myriad Autosomal Dominant, Autosomal Recessive and X-Linked Classification Criteria (2023). Collection method: clinical testing. Allele origin: unknown.
Comment: This variant is considered likely benign. This variant is intronic and is not expected to impact mRNA splicing.